The following is an entry in ClinVar:

NM_194248.3(OTOF):c.4483C>T (p.Arg1495Ter)

Gene: OTOF (otoferlin; minus strand). Cytogenetic location: 2p23.3.
Variant type: single nucleotide variant.
Coding change: c.4483C>T on transcript NM_194248.3 (MANE Select); coding-DNA position 4483, C replaced by T.
Protein change: p.Arg1495Ter; replaces arginine 1495 with a stop codon.
Molecular consequence: nonsense.
Genome position (GRCh38, 1-based): chr2:26,466,731, G>A on the plus strand (C>T on the coding strand, the complement: OTOF is on the minus strand). VCF-style: chr2-26466731-G-A. GRCh37 (hg19) VCF-style: chr2-26689599-G-A.
Other names: c.4483C>T, p.Arg1495Ter (NM_001287489.2); c.2182C>T, p.Arg728Ter (NM_004802.4, NM_194323.3); c.2413C>T, p.Arg805Ter (NM_194322.3); short protein forms R1495*, R728*, R805*.
Identifiers: ClinVar variation 65804 (VCV000065804.19), dbSNP rs147321712, ClinGen allele CA345125.
Genomic context (GRCh38, chr2:26,466,731, plus strand): 5'-GGATGAGGAGACTTGCAAGGAGGGAAAGCGACGGGAGTCTCACCCGGACCACATAGACTC[G>A]GACCAGCACATTGATGGGGTCATTGCTCGGGATGCCCTGGAACATGCCGTAGGTGGAGTC-3'

ClinVar aggregate classification (germline): Pathogenic. Review status: criteria provided, multiple submitters, no conflicts (2 of 4 stars). 6 submissions from 6 submitters: Pathogenic (5). 1 of the submissions does not count toward it. Last evaluated 2026-06-08.

Conditions:
OTOF-related disorder. Also called: OTOF-related condition.
Autosomal recessive nonsyndromic hearing loss 9. Also called: AUDITORY NEUROPATHY, AUTOSOMAL RECESSIVE, 1, TEMPERATURE-SENSITIVE; Deafness, autosomal recessive 9; OTOF-Related Hearing Loss; NEUROSENSORY NONSYNDROMIC RECESSIVE DEAFNESS 9. Identifiers: Orphanet 90636, MedGen C1832828, MONDO:0010986, OMIM 601071.
Hearing impairment. Also called: Impaired Hearing. Identifiers: MedGen C1384666, MONDO:0005365, HP:0000365.

Allele frequency attached by ClinVar (database versions not stated): TOPMed 0.00001; 1000 Genomes Project 30x 0.00016; 1000 Genomes Project 0.00020.
gnomAD v4.1: 13 of 1,614,212 alleles (0.00081%); highest among the groups gnomAD compares: South Asian, 0.0011%; no homozygotes.

Submissions (6):

PreventionGenetics, part of Exact Sciences
Classification: Pathogenic for OTOF-related condition. Last evaluated: 2026-06-08. Review status: criteria provided, single submitter. Criteria: ACMG Guidelines, 2015. Collection method: clinical testing. Allele origin: germline.
Comment: The OTOF c.4483C>T variant is predicted to result in premature protein termination (p.Arg1495*). This variant has been reported in the compound heterozygous state or along with a second OTOF nonsense variant in two individuals with hearing loss (Rodriguez-Ballesteros et al. 2008. PubMed ID: 18381613; Likar et al. 2018. PubMed ID: 29293505). This variant has not been reported in a large population database (gnomAD), indicating this variant is rare. Nonsense variants in OTOF are expected to be pathogenic. This variant is interpreted as pathogenic.

Labcorp Genetics (formerly Invitae), Labcorp
Classification: Pathogenic. Last evaluated: 2024-09-16. Review status: criteria provided, single submitter. Criteria: Invitae Variant Classification Sherloc (09022015). Collection method: clinical testing. Allele origin: germline.
Comment: This sequence change creates a premature translational stop signal (p.Arg1495*) in the OTOF gene. It is expected to result in an absent or disrupted protein product. Loss-of-function variants in OTOF are known to be pathogenic (PMID: 18381613, 19250381, 22575033). This variant is present in population databases (rs147321712, gnomAD 0.003%). This premature translational stop signal has been observed in individual(s) with autosomal recessive nonsyndromic deafness (PMID: 18381613, 29293505). ClinVar contains an entry for this variant (Variation ID: 65804). For these reasons, this variant has been classified as Pathogenic.

Fulgent Genetics
Classification: Pathogenic for Autosomal recessive nonsyndromic hearing loss 9. Last evaluated: 2021-10-14. Review status: criteria provided, single submitter. Criteria: ACMG Guidelines, 2015. Collection method: clinical testing. Allele origin: unknown.

ARUP Laboratories, Molecular Genetics and Genomics, ARUP Laboratories
Classification: Pathogenic. Last evaluated: 2019-06-10. Review status: criteria provided, single submitter. Criteria: ARUP Molecular Germline Variant Investigation Process. Collection method: clinical testing. Allele origin: germline.

Centre for Mendelian Genomics, University Medical Centre Ljubljana
Classification: Pathogenic for Hearing impairment. Last evaluated: 2015-01-13. Review status: criteria provided, single submitter. Criteria: ACMG Guidelines, 2015. Collection method: clinical testing. Allele origin: unknown. Affected: yes.

GeneReviews
No classification provided. Condition: Autosomal recessive nonsyndromic hearing loss 9. Review status: no classification provided. Collection method: literature only. Allele origin: unknown. Not counted in ClinVar's aggregate classification.

Literature cited by the submitters: PubMed 18381613 (cited by Labcorp Genetics (formerly Invitae), Labcorp and GeneReviews); PubMed 19250381 (cited by Labcorp Genetics (formerly Invitae), Labcorp); PubMed 22575033 (cited by Labcorp Genetics (formerly Invitae), Labcorp); PubMed 29293505 (cited by Labcorp Genetics (formerly Invitae), Labcorp); PubMed 20301429 (cited by GeneReviews); NCBI Bookshelf NBK1251 (cited by GeneReviews).